The following is an entry in ClinVar:

ClinVar aggregate classification (germline): Uncertain significance (1 of 4 stars; one submission).

Conditions:
Hereditary breast ovarian cancer syndrome. Also called: Breast and ovarian cancer; BRCA1- and BRCA2-Associated Hereditary Breast and Ovarian Cancer; Hereditary breast and ovarian cancer; Hereditary breast and ovarian cancer syndrome (HBOC); Hereditary breast and/or ovarian cancer syndrome; Hereditary breast and ovarian cancer syndrome. Identifiers: Orphanet 145, MedGen C0677776, MeSH D061325, MONDO:0003582. Disease mechanism: loss of function.

Submission:

Labcorp Genetics (formerly Invitae), Labcorp
Classification: Uncertain significance for Hereditary breast ovarian cancer syndrome. Last evaluated: 2025-03-19. Review status: criteria provided, single submitter. Criteria: Invitae Variant Classification Sherloc (09022015). Collection method: clinical testing. Allele origin: germline.
Comment: This sequence change replaces alanine, which is neutral and non-polar, with glycine, which is neutral and non-polar, at codon 705 of the BRCA1 protein (p.Ala705Gly). This variant is not present in population databases (gnomAD no frequency). This variant has not been reported in the literature in individuals affected with BRCA1-related conditions. Invitae Evidence Modeling of protein sequence and biophysical properties (such as structural, functional, and spatial information, amino acid conservation, physicochemical variation, residue mobility, and thermodynamic stability) indicates that this missense variant is not expected to disrupt BRCA1 protein function with a negative predictive value of 80%. In summary, the available evidence is currently insufficient to determine the role of this variant in disease. Therefore, it has been classified as a Variant of Uncertain Significance.

NM_007294.4(BRCA1):c.2114C>G (p.Ala705Gly)

Gene: BRCA1 (BRCA1 DNA repair associated; minus strand). Cytogenetic location: 17q21.31.
Variant type: single nucleotide variant.
Coding change: c.2114C>G on transcript NM_007294.4 (MANE Select); coding-DNA position 2114, C replaced by G.
Protein change: p.Ala705Gly; replaces alanine 705 with glycine.
Molecular consequence: missense variant. On other transcripts: intron variant (137).
Genome position (GRCh38, 1-based): chr17:43,093,417, G>C on the plus strand (C>G on the coding strand, the complement: BRCA1 is on the minus strand). VCF-style: chr17-43093417-G-C. GRCh37 (hg19) VCF-style: chr17-41245434-G-C.
Other names: c.1901C>G, p.Ala634Gly (NM_001407571.1, NM_001407853.1, NM_001407894.1 and 9 more transcripts); c.2114C>G, p.Ala705Gly (NM_001407581.1, NM_001407582.1, NM_001407583.1 and 30 more transcripts); c.2111C>G, p.Ala704Gly (NM_001407587.1, NM_001407590.1, NM_001407591.1 and 22 more transcripts); c.2105C>G, p.Ala702Gly (NM_001407646.1, NM_001407647.1); c.1991C>G, p.Ala664Gly (NM_001407648.1, NM_001407664.1, NM_001407665.1 and 19 more transcripts); c.1988C>G, p.Ala663Gly (NM_001407649.1, NM_001407670.1, NM_001407671.1 and 11 more transcripts); c.2036C>G, p.Ala679Gly (NM_001407653.1, NM_001407654.1, NM_001407655.1 and 4 more transcripts); c.2033C>G, p.Ala678Gly (NM_001407659.1, NM_001407660.1, NM_001407661.1 and 1 more transcripts); and 41 more; short protein forms A616G, A637G, A537G, A593G, A658G, A663G, A679G, A577G.
Identifiers: ClinVar variation 4765233 (VCV004765233.1).
Genomic context (GRCh38, chr17:43,093,417, plus strand): 5'-CTAGGATTGACAAATTCTTTAAGTTCACTGGTATTTGAACACTTAGTAAAAGAACCAGGT[G>C]CATTTGTTAACTTCAGCTCTGGGAAAGTATCGCTGTCATGTCTTTTACTTGTCTGTTCAT-3'
Protein context (NP_009225.1, residues 695-715): DTFPELKLTN[Ala705Gly]PGSFTKCSNT